The following is an entry in ClinVar:

NM_000088.4(COL1A1):c.1178_1179insCCTTTA (p.Gln393delinsHisLeuTer)

Gene: COL1A1 (collagen type I alpha 1 chain; minus strand). Cytogenetic location: 17q21.33.
Variant type: Insertion.
Coding change: c.1178_1179insCCTTTA on transcript NM_000088.4 (MANE Select); coding-DNA positions 1178 to 1179, CCTTTA inserted.
Protein change: p.Gln393delinsHisLeuTer.
Molecular consequence: nonsense.
Genome position: GRCh38 VCF-style: chr17-50195455-C-CTAAAGG. GRCh37 (hg19) VCF-style: chr17-48272816-C-CTAAAGG.
Identifiers: ClinVar variation 1453111 (VCV001453111.6), dbSNP rs2144576816, ClinGen allele CA2573154199.

ClinVar aggregate classification (germline): Pathogenic (1 of 4 stars; one submission).

Conditions:
Osteogenesis imperfecta type I (OI1). Also called: Lobstein disease; Classic Non-deforming Osteogenesis Imperfecta with Blue Sclerae; OI, TYPE I; OSTEOGENESIS IMPERFECTA TARDA; OSTEOGENESIS IMPERFECTA WITH BLUE SCLERAE; Osteogenesis imperfecta type 1. Identifiers: Orphanet 216796, Orphanet 666, MedGen C0023931, MONDO:0008146, OMIM 166200. Disease mechanism: loss of function.

Submission:

Labcorp Genetics (formerly Invitae), Labcorp
Classification: Pathogenic for Osteogenesis imperfecta type I. Last evaluated: 2025-12-09. Review status: criteria provided, single submitter. Criteria: Invitae Variant Classification Sherloc (09022015). Collection method: clinical testing. Allele origin: germline.
Comment: This sequence change creates a premature translational stop signal (p.Gln393delinsHisLeu*) in the COL1A1 gene. It is expected to result in an absent or disrupted protein product. Loss-of-function variants in COL1A1 are known to be pathogenic (PMID: 7942841, 9295084, 9443882). This variant is not present in population databases (gnomAD no frequency). This variant has not been reported in the literature in individuals affected with COL1A1-related conditions. ClinVar contains an entry for this variant (Variation ID: 1453111). For these reasons, this variant has been classified as Pathogenic.

Literature cited by the submitters: PubMed 7942841; PubMed 9295084; PubMed 9443882.